The following is an entry in ClinVar:

NM_133642.5(LARGE1):c.176A>T (p.Gln59Leu)

Gene: LARGE1 (LARGE xylosyl- and glucuronyltransferase 1; minus strand). Cytogenetic location: 22q12.3.
Variant type: single nucleotide variant.
Coding change: c.176A>T on transcript NM_133642.5 (MANE Select); coding-DNA position 176, A replaced by T.
Protein change: p.Gln59Leu; replaces glutamine 59 with leucine.
Molecular consequence: missense variant.
Genome position (GRCh38, 1-based): chr22:33,650,599, T>A on the plus strand (A>T on the coding strand, the complement: LARGE1 is on the minus strand). VCF-style: chr22-33650599-T-A. GRCh37 (hg19) VCF-style: chr22-34046585-T-A.
Other names: c.176A>T, p.Gln59Leu (NM_001362949.2, NM_001362951.2, NM_001362953.2 and 7 more transcripts); short protein forms Q59L.
Identifiers: ClinVar variation 1513733 (VCV001513733.8), dbSNP rs2080769500, ClinGen allele CA411546468.

ClinVar aggregate classification (germline): Uncertain significance (1 of 4 stars; one submission).

Conditions:
Muscular dystrophy-dystroglycanopathy type B6 (MDDGB6). Also called: MUSCULAR DYSTROPHY-DYSTROGLYCANOPATHY (CONGENITAL WITH IMPAIRED INTELLECTUAL DEVELOPMENT), TYPE B, 6; MUSCULAR DYSTROPHY, CONGENITAL, LARGE-RELATED; MUSCULAR DYSTROPHY, CONGENITAL, TYPE 1D. Identifiers: MedGen C1837229, MONDO:0012138, OMIM 608840.

Submission:

Labcorp Genetics (formerly Invitae), Labcorp
Classification: Uncertain significance for Muscular dystrophy-dystroglycanopathy type B6. Last evaluated: 2021-02-27. Review status: criteria provided, single submitter. Criteria: Invitae Variant Classification Sherloc (09022015). Collection method: clinical testing. Allele origin: germline.
Comment: In summary, the available evidence is currently insufficient to determine the role of this variant in disease. Therefore, it has been classified as a Variant of Uncertain Significance. This variant has not been reported in the literature in individuals with LARGE1-related conditions. Algorithms developed to predict the effect of missense changes on protein structure and function (SIFT, PolyPhen-2, Align-GVGD) all suggest that this variant is likely to be tolerated, but these predictions have not been confirmed by published functional studies and their clinical significance is uncertain. This variant is not present in population databases (ExAC no frequency). This sequence change replaces glutamine with leucine at codon 59 of the LARGE1 protein (p.Gln59Leu). The glutamine residue is moderately conserved and there is a moderate physicochemical difference between glutamine and leucine.